The following is an entry in ClinVar:

NM_000535.7(PMS2):c.1312A>G (p.Lys438Glu)

Gene: PMS2 (PMS1 homolog 2, mismatch repair system component; minus strand). Cytogenetic location: 7p22.1.
Variant type: single nucleotide variant.
Coding change: c.1312A>G on transcript NM_000535.7 (MANE Select); coding-DNA position 1312, A replaced by G.
Protein change: p.Lys438Glu; replaces lysine 438 with glutamic acid.
Molecular consequence: missense variant. On other transcripts: non-coding transcript variant (1).
Genome position (GRCh38, 1-based): chr7:5,987,453, T>C on the plus strand (A>G on the coding strand, the complement: PMS2 is on the minus strand). VCF-style: chr7-5987453-T-C. GRCh37 (hg19) VCF-style: chr7-6027084-T-C.
Other names: c.907A>G, p.Lys303Glu (NM_001322003.2, NM_001322004.2, NM_001322005.2 and 1 more transcripts); c.1156A>G, p.Lys386Glu (NM_001322006.2); c.994A>G, p.Lys332Glu (NM_001322007.2, NM_001322008.2); c.751A>G, p.Lys251Glu (NM_001322010.2); c.379A>G, p.Lys127Glu (NM_001322011.2, NM_001322012.2); c.739A>G, p.Lys247Glu (NM_001322013.2); c.1312A>G, p.Lys438Glu (NM_001322014.2); c.1003A>G, p.Lys335Glu (NM_001322015.2); short protein forms K127E, K247E, K251E, K303E, K332E, K335E, K386E, K438E.
Identifiers: ClinVar variation 1052860 (VCV001052860.12), dbSNP rs878854033, ClinGen allele CA366742359.

ClinVar aggregate classification (germline): Conflicting classifications of pathogenicity. Review status: criteria provided, conflicting classifications (1 of 4 stars). 2 submissions from 2 submitters: Uncertain significance (1); Likely benign (1). Last evaluated 2026-08-07.

Conditions:
Hereditary nonpolyposis colorectal neoplasms. Identifiers: MedGen C0009405, MeSH D003123.
Hereditary cancer-predisposing syndrome. Also called: Tumor predisposition; Hereditary Cancer Syndrome; Hereditary neoplastic syndrome; Neoplastic Syndromes, Hereditary. Identifiers: Orphanet 140162, MedGen C0027672, MeSH D009386, MONDO:0015356.

Allele frequency attached by ClinVar (database versions not stated): gnomAD exomes below 0.00001.

Submissions (2):

Ambry Genetics
Classification: Likely benign for Hereditary cancer-predisposing syndrome. Last evaluated: 2026-08-07. Review status: criteria provided, single submitter. Criteria: Ambry Variant Classification Scheme 2023. Collection method: clinical testing. Allele origin: germline.

Labcorp Genetics (formerly Invitae), Labcorp
Classification: Uncertain significance for Hereditary nonpolyposis colorectal neoplasms. Last evaluated: 2025-11-23. Review status: criteria provided, single submitter. Criteria: Invitae Variant Classification Sherloc (09022015). Collection method: clinical testing. Allele origin: germline.
Comment: This sequence change replaces lysine, which is basic and polar, with glutamic acid, which is acidic and polar, at codon 438 of the PMS2 protein (p.Lys438Glu). This variant is not present in population databases (gnomAD no frequency). This variant has not been reported in the literature in individuals affected with PMS2-related conditions. ClinVar contains an entry for this variant (Variation ID: 1052860). Invitae Evidence Modeling incorporating data from in vitro experimental studies (internal data) indicates that this missense variant is not expected to disrupt PMS2 function with a negative predictive value of 95%. In summary, the available evidence is currently insufficient to determine the role of this variant in disease. Therefore, it has been classified as a Variant of Uncertain Significance.